The following is an entry in ClinVar:

NM_015443.4(KANSL1):c.1937C>T (p.Pro646Leu)

Gene: KANSL1 (KAT8 regulatory NSL complex subunit 1). Cytogenetic location: 17q21.31.
Variant type: single nucleotide variant.
Coding change: c.1937C>T on transcript NM_015443.4 (MANE Select); coding-DNA position 1937, C replaced by T.
Protein change: p.Pro646Leu; replaces proline 646 with leucine.
Molecular consequence: missense variant.
Genome position (GRCh38, 1-based): chr17:46,050,616, G>A on the plus strand (C>T on the coding strand, the complement: KANSL1 is on the minus strand). VCF-style: chr17-46050616-G-A. GRCh37 (hg19) VCF-style: chr17-44127982-G-A.
Other names: p.P646L:CCC>CTC; c.1937C>T, p.Pro646Leu (NM_001193465.2, NM_001193466.2, NM_001379198.1); short protein forms P646L.
Identifiers: ClinVar variation 205738 (VCV000205738.9), dbSNP rs796052585, ClinGen allele CA315105.

ClinVar aggregate classification (germline): Conflicting classifications of pathogenicity. Review status: criteria provided, conflicting classifications (1 of 4 stars). 2 submissions from 2 submitters: Uncertain significance (1); Likely benign (1). Last evaluated 2024-08-31.

Conditions:
Koolen-de Vries syndrome (KDVS). Identifiers: Orphanet 96169, MedGen C1864871, MONDO:0012496, OMIM 610443.

Allele frequency attached by ClinVar (database versions not stated): gnomAD exomes below 0.00001.
gnomAD v4.1: 5 of 1,614,146 alleles (0.00031%); highest among the groups gnomAD compares: Middle Eastern, 0.016%; 1 homozygote.

Submissions (2):

Labcorp Genetics (formerly Invitae), Labcorp
Classification: Uncertain significance for Koolen-de Vries syndrome. Last evaluated: 2024-08-31. Review status: criteria provided, single submitter. Criteria: Invitae Variant Classification Sherloc (09022015). Collection method: clinical testing. Allele origin: germline.
Comment: This sequence change replaces proline, which is neutral and non-polar, with leucine, which is neutral and non-polar, at codon 646 of the KANSL1 protein (p.Pro646Leu). This variant is not present in population databases (gnomAD no frequency). This variant has not been reported in the literature in individuals affected with KANSL1-related conditions. ClinVar contains an entry for this variant (Variation ID: 205738). Invitae Evidence Modeling of protein sequence and biophysical properties (such as structural, functional, and spatial information, amino acid conservation, physicochemical variation, residue mobility, and thermodynamic stability) indicates that this missense variant is not expected to disrupt KANSL1 protein function with a negative predictive value of 80%. In summary, the available evidence is currently insufficient to determine the role of this variant in disease. Therefore, it has been classified as a Variant of Uncertain Significance.

GeneDx
Classification: Likely benign. Last evaluated: 2014-12-22. Review status: criteria provided, single submitter. Criteria: GeneDx Variant Classification (06012015). Collection method: clinical testing. Allele origin: germline. Affected: yes.
Comment: This variant is considered likely benign or benign based on one or more of the following criteria: it is a conservative change, it occurs at a poorly conserved position in the protein, it is predicted to be benign by multiple in silico algorithms, and/or has population frequency not consistent with disease.